The following is an entry in ClinVar:

NM_007194.4(CHEK2):c.-6-4T>C

Gene: CHEK2 (checkpoint kinase 2; minus strand). Cytogenetic location: 22q12.1.
Variant type: single nucleotide variant.
Coding change: c.-6-4T>C on transcript NM_007194.4 (MANE Select); 4 bases into the intron before 6 bases upstream of the start codon, T replaced by C.
Molecular consequence: intron variant.
Genome position (GRCh38, 1-based): chr22:28,734,731, A>G on the plus strand (T>C on the coding strand, the complement: CHEK2 is on the minus strand). VCF-style: chr22-28734731-A-G. GRCh37 (hg19) VCF-style: chr22-29130719-A-G.
Other names: c.-345+7038T>C (NM_001437942.1); c.-6-4T>C (NM_001349956.3, NM_145862.3, NM_001438295.1 and 3 more transcripts); c.-783-4T>C (NM_001257387.3).
Identifiers: ClinVar variation 1709899 (VCV001709899.3), dbSNP rs2054342764, ClinGen allele CA2400256979.

ClinVar aggregate classification (germline): Conflicting classifications of pathogenicity. Review status: criteria provided, conflicting classifications (1 of 4 stars). 2 submissions from 2 submitters: Uncertain significance (1); Likely benign (1). Last evaluated 2024-10-01.

Conditions:
Familial cancer of breast. Also called: Hereditary breast cancer; BREAST CANCER, FAMILIAL; hereditary breast carcinoma. Identifiers: Orphanet 227535, MedGen C0346153, MONDO:0016419, OMIM 114480. Disease mechanism: loss of function.

Allele frequency attached by ClinVar (database versions not stated): gnomAD exomes below 0.00001; TOPMed below 0.00001; gnomAD 0.00001.
gnomAD v4.1: 2 of 1,612,756 alleles (0.00012%); highest among the groups gnomAD compares: Admixed American, 0.0017%; no homozygotes.

Submissions (2):

Myriad Genetics, Inc.
Classification: Likely benign for Familial cancer of breast. Last evaluated: 2024-10-01. Review status: criteria provided, single submitter. Criteria: Myriad Autosomal Dominant, Autosomal Recessive and X-Linked Classification Criteria (2023). Collection method: clinical testing. Allele origin: unknown.
Comment: This variant is considered likely benign. This variant is intronic and is not expected to impact mRNA splicing.

MGZ Medical Genetics Center
Classification: Uncertain significance for Familial cancer of breast. Last evaluated: 2021-08-16. Review status: criteria provided, single submitter. Criteria: ACMG Guidelines, 2015. Collection method: clinical testing. Allele origin: germline. Affected: yes. Observed: 1 variant allele.
Comment: ACMG criteria applied: PM2_SUP, BP4